The following is an entry in ClinVar:

NM_001563.4(IMPG1):c.166A>C (p.Thr56Pro)

Gene: IMPG1 (interphotoreceptor matrix proteoglycan 1; minus strand). Cytogenetic location: 6q14.1.
Variant type: single nucleotide variant.
Coding change: c.166A>C on transcript NM_001563.4 (MANE Select); coding-DNA position 166, A replaced by C.
Protein change: p.Thr56Pro; replaces threonine 56 with proline.
Molecular consequence: missense variant. On other transcripts: intron variant (1).
Genome position (GRCh38, 1-based): chr6:76,042,028, T>G on the plus strand (A>C on the coding strand, the complement: IMPG1 is on the minus strand). VCF-style: chr6-76042028-T-G. GRCh37 (hg19) VCF-style: chr6-76751745-T-G.
Other names: c.68-7241A>C (NM_001282368.2); short protein forms T56P.
Identifiers: ClinVar variation 3684741 (VCV003684741.2).
Genomic context (GRCh38, chr6:76,042,028, plus strand): 5'-TTGGGAAAAATGCGGATCTTTTTGTTCGATGCTTTGCCAAATCGAATATTCGTCTCATAG[T>G]TGACATTTTGTACATTTTTTCAGTACTTTCAGTTGTTTCATTTCTTGGGGGATTGTCTAT-3'
Protein context (NP_001554.2, residues 46-66): ESTEKMYKMS[Thr56Pro]MRRIFDLAKH

ClinVar aggregate classification (germline): Uncertain significance (1 of 4 stars; one submission).

Submission:

Labcorp Genetics (formerly Invitae), Labcorp
Classification: Uncertain significance. Last evaluated: 2024-04-25. Review status: criteria provided, single submitter. Criteria: Invitae Variant Classification Sherloc (09022015). Collection method: clinical testing. Allele origin: germline.
Comment: This sequence change replaces threonine, which is neutral and polar, with proline, which is neutral and non-polar, at codon 56 of the IMPG1 protein (p.Thr56Pro). This variant is not present in population databases (gnomAD no frequency). This variant has not been reported in the literature in individuals affected with IMPG1-related conditions. An algorithm developed to predict the effect of missense changes on protein structure and function (PolyPhen-2) suggests that this variant is likely to be disruptive. In summary, the available evidence is currently insufficient to determine the role of this variant in disease. Therefore, it has been classified as a Variant of Uncertain Significance.